The following is an entry in ClinVar:

ClinVar aggregate classification (germline): Uncertain significance (1 of 4 stars; one submission).

Conditions:
ZTTK syndrome (ZTTKS). Also called: Zhu-Tokita-Takenouchi-Kim Syndrome; ZTTK MULTIPLE CONGENITAL ANOMALIES-MENTAL RETARDATION SYNDROME. Identifiers: Orphanet 500150, MedGen C4310696, MONDO:0014936, OMIM 617140.

Submission:

Juno Genomics, Hangzhou Juno Genomics, Inc
Classification: Uncertain significance for ZTTK syndrome. Review status: criteria provided, single submitter. Criteria: ACMG Guidelines, 2015. Collection method: clinical testing. Allele origin: germline.
Comment: Absent from controls (or at extremely low frequency if recessive) in Genome Aggregation Database.;Multiple lines of computational evidence suggest no impact on gene or gene product.

NM_138927.4(SON):c.2828G>A (p.Arg943Lys)

Gene: SON (SON DNA and RNA binding protein; plus strand). Cytogenetic location: 21q22.11.
Variant type: single nucleotide variant.
Coding change: c.2828G>A on transcript NM_138927.4 (MANE Select); coding-DNA position 2828, G replaced by A.
Protein change: p.Arg943Lys; replaces arginine 943 with lysine.
Molecular consequence: missense variant. On other transcripts: non-coding transcript variant (1), intron variant (1).
Genome position (GRCh38, 1-based): chr21:33,552,059, G>A. VCF-style: chr21-33552059-G-A. GRCh37 (hg19) VCF-style: chr21-34924365-G-A.
Other names: c.2828G>A, p.Arg943Lys (NM_001291411.2, NM_032195.3); c.245-5097G>A (NM_001291412.3); short protein forms R943K.
Identifiers: ClinVar variation 5006413 (VCV005006413.2).